The following is an entry in ClinVar:

NM_004336.5(BUB1):c.1895A>G (p.Gln632Arg)

Gene: BUB1 (BUB1 mitotic checkpoint serine/threonine kinase; minus strand). Cytogenetic location: 2q13.
Variant type: single nucleotide variant.
Coding change: c.1895A>G on transcript NM_004336.5 (MANE Select); coding-DNA position 1895, A replaced by G.
Protein change: p.Gln632Arg; replaces glutamine 632 with arginine.
Molecular consequence: missense variant.
Genome position (GRCh38, 1-based): chr2:110,653,505, T>C on the plus strand (A>G on the coding strand, the complement: BUB1 is on the minus strand). VCF-style: chr2-110653505-T-C. GRCh37 (hg19) VCF-style: chr2-111411082-T-C.
Other names: c.1835A>G, p.Gln612Arg (NM_001278616.2); c.1895A>G, p.Gln632Arg (NM_001278617.2); short protein forms Q632R, Q612R.
Identifiers: ClinVar variation 1782134 (VCV001782134.6), dbSNP rs142906109, ClinGen allele CA1827932.

ClinVar aggregate classification (germline): Uncertain significance. Review status: criteria provided, multiple submitters, no conflicts (2 of 4 stars). 2 submissions from 2 submitters: Uncertain significance (2). Last evaluated 2024-11-03.

Allele frequency attached by ClinVar (database versions not stated): gnomAD exomes 0.00001; ExAC 0.00002; gnomAD 0.00004; TOPMed 0.00005; ESP Exome Variant Server 0.00008.
gnomAD v4.1: 21 of 1,613,800 alleles (0.0013%); highest among the groups gnomAD compares: Admixed American, 0.0033%; no homozygotes.

Submissions (2):

Ambry Genetics
Classification: Uncertain significance. Last evaluated: 2024-11-03. Review status: criteria provided, single submitter. Criteria: Ambry Variant Classification Scheme 2023. Collection method: clinical testing. Allele origin: germline.
Comment: The p.Q632R variant (also known as c.1895A>G), located in coding exon 17 of the BUB1 gene, results from an A to G substitution at nucleotide position 1895. The glutamine at codon 632 is replaced by arginine, an amino acid with highly similar properties. This amino acid position is conserved. In addition, this alteration is predicted to be tolerated by in silico analysis. Since supporting evidence is limited at this time, the clinical significance of this alteration remains unclear.

Labcorp Genetics (formerly Invitae), Labcorp
Classification: Uncertain significance. Last evaluated: 2023-12-26. Review status: criteria provided, single submitter. Criteria: Invitae Variant Classification Sherloc (09022015). Collection method: clinical testing. Allele origin: germline.
Comment: This sequence change replaces glutamine, which is neutral and polar, with arginine, which is basic and polar, at codon 632 of the BUB1 protein (p.Gln632Arg). This variant is present in population databases (rs142906109, gnomAD 0.003%). This variant has not been reported in the literature in individuals affected with BUB1-related conditions. ClinVar contains an entry for this variant (Variation ID: 1782134). In summary, the available evidence is currently insufficient to determine the role of this variant in disease. Therefore, it has been classified as a Variant of Uncertain Significance.